The following is an entry in ClinVar:

ClinVar aggregate classification (germline): Uncertain significance. Review status: criteria provided, multiple submitters, no conflicts (2 of 4 stars). 3 submissions from 2 submitters: Uncertain significance (3). Last evaluated 2022-12-15.

Conditions:
Maturity-onset diabetes of the young (MODY). Also called: Maturity onset diabetes mellitus in young. Identifiers: Orphanet 552, MedGen C0342276, MONDO:0018911, HP:0004904.
Transitory neonatal diabetes mellitus. Also called: Transient neonatal diabetes mellitus. Identifiers: MedGen C0342273, MONDO:0020525, HP:0008255.

Allele frequency attached by ClinVar (database versions not stated): ExAC 0.00001; gnomAD exomes 0.00001.
gnomAD v4.1: 11 of 1,607,164 alleles (0.00068%); highest among the groups gnomAD compares: Admixed American, 0.0017%; no homozygotes.

Submissions (3):

Labcorp Genetics (formerly Invitae), Labcorp
Classification: Uncertain significance. Last evaluated: 2022-12-15. Review status: criteria provided, single submitter. Criteria: Invitae Variant Classification Sherloc (09022015). Collection method: clinical testing. Allele origin: germline.
Comment: This sequence change replaces glutamic acid, which is acidic and polar, with lysine, which is basic and polar, at codon 746 of the ABCC8 protein (p.Glu746Lys). This variant is present in population databases (rs753296261, gnomAD 0.003%). In summary, the available evidence is currently insufficient to determine the role of this variant in disease. Therefore, it has been classified as a Variant of Uncertain Significance. Advanced modeling of protein sequence and biophysical properties (such as structural, functional, and spatial information, amino acid conservation, physicochemical variation, residue mobility, and thermodynamic stability) has been performed at Invitae for this missense variant, however the output from this modeling did not meet the statistical confidence thresholds required to predict the impact of this variant on ABCC8 protein function. ClinVar contains an entry for this variant (Variation ID: 1690303). This variant has not been reported in the literature in individuals affected with ABCC8-related conditions.

Clinical Genomics, Uppaluri K&H Personalized Medicine Clinic
Classification: Uncertain significance for Maturity-onset diabetes of the young. Review status: criteria provided, single submitter. Criteria: K & H Uppaluri Personalized Medicine Clinic Variant Classification & Assertion Criteria_Updated V.1. Collection method: research. Allele origin: unknown. Inheritance: Somatic mutation.
Comment: Mutations in ABCC8 gene are associated with both neonatal diabetes mellitus as well as MODY. Patients with this mutation may have a better response to sulfonylureas. However, no sufficient evidence is found to ascertain the role of this particular variant ( rs753296261) in MODY yet.

Clinical Genomics, Uppaluri K&H Personalized Medicine Clinic
Classification: Uncertain significance for Transitory neonatal diabetes mellitus. Review status: criteria provided, single submitter. Criteria: K & H Uppaluri Personalized Medicine Clinic Variant Classification & Assertion Criteria_Updated V.1. Collection method: research. Allele origin: unknown. Inheritance: Somatic mutation.
Comment: Mutations in ABCC8 gene are associated with both neonatal diabetes mellitus as well as MODY. Patients with this mutation may have a better response to sulfonylureas. However, no sufficient evidence is found to ascertain the role of this particular variant (rs753296261) in neonatal diabetes yet.

Literature cited by the submitters: PubMed 16885549 (cited by Clinical Genomics, Uppaluri K&H Personalized Medicine Clinic); PubMed 21989597 (cited by Clinical Genomics, Uppaluri K&H Personalized Medicine Clinic); PubMed 27538677 (cited by Clinical Genomics, Uppaluri K&H Personalized Medicine Clinic); PubMed 18981553 (cited by Clinical Genomics, Uppaluri K&H Personalized Medicine Clinic); PubMed 32027066 (cited by Clinical Genomics, Uppaluri K&H Personalized Medicine Clinic); PubMed 16613899 (cited by Clinical Genomics, Uppaluri K&H Personalized Medicine Clinic); PubMed 18025408 (cited by Clinical Genomics, Uppaluri K&H Personalized Medicine Clinic); PubMed 32792356 (cited by Clinical Genomics, Uppaluri K&H Personalized Medicine Clinic).

NM_000352.6(ABCC8):c.2236G>A (p.Glu746Lys)

Gene: ABCC8 (ATP binding cassette subfamily C member 8; minus strand). Cytogenetic location: 11p15.1.
Variant type: single nucleotide variant.
Coding change: c.2236G>A on transcript NM_000352.6 (MANE Select); coding-DNA position 2236, G replaced by A.
Protein change: p.Glu746Lys; replaces glutamic acid 746 with lysine.
Molecular consequence: missense variant. On other transcripts: non-coding transcript variant (1).
Genome position (GRCh38, 1-based): chr11:17,416,949, C>T on the plus strand (G>A on the coding strand, the complement: ABCC8 is on the minus strand). VCF-style: chr11-17416949-C-T. GRCh37 (hg19) VCF-style: chr11-17438496-C-T.
Other names: c.2239G>A, p.Glu747Lys (NM_001287174.3); c.2302G>A, p.Glu768Lys (NM_001351295.2); c.2236G>A, p.Glu746Lys (NM_001351296.2); c.2233G>A, p.Glu745Lys (NM_001351297.2); short protein forms E745K, E746K, E747K, E768K.
Identifiers: ClinVar variation 1690303 (VCV001690303.4), dbSNP rs753296261, ClinGen allele CA5903252.